The following is an entry in ClinVar:

NM_000492.4(CFTR):c.558C>A (p.Asn186Lys)

Gene: CFTR (CF transmembrane conductance regulator; plus strand). Cytogenetic location: 7q31.2.
Variant type: single nucleotide variant.
Coding change: c.558C>A on transcript NM_000492.4 (MANE Select); coding-DNA position 558, C replaced by A.
Protein change: p.Asn186Lys; replaces asparagine 186 with lysine.
Molecular consequence: missense variant.
Genome position (GRCh38, 1-based): chr7:117,534,344, C>A. VCF-style: chr7-117534344-C-A. GRCh37 (hg19) VCF-style: chr7-117174398-C-A.
Other names: short protein forms N186K.
Identifiers: ClinVar variation 3391202 (VCV003391202.4), dbSNP rs397508753.

ClinVar aggregate classification (germline): Conflicting classifications of pathogenicity. Review status: criteria provided, conflicting classifications (1 of 4 stars). 2 submissions from 2 submitters: Likely pathogenic (1); Uncertain significance (1). Last evaluated 2025-07-25.

Conditions:
Cystic fibrosis (CF). Also called: MUCOVISCIDOSIS. Identifiers: Orphanet 586, MedGen C0010674, MONDO:0009061, OMIM 219700. Disease mechanism: loss of function.

gnomAD v4.1: 5 of 1,582,560 alleles (0.00032%); highest among the groups gnomAD compares: South Asian, 0.0044%; no homozygotes.

Submissions (2):

Women's Health and Genetics/Laboratory Corporation of America, LabCorp
Classification: Likely pathogenic for Cystic fibrosis. Last evaluated: 2025-07-25. Review status: criteria provided, single submitter. Criteria: LabCorp Variant Classification Summary - May 2015. Collection method: clinical testing. Allele origin: germline.
Comment: Variant summary: CFTR c.558C>A (p.Asn186Lys) results in a non-conservative amino acid change located in the first transmembrane domain (IPR011527) of the encoded protein sequence. Four of five in-silico tools predict a damaging effect of the variant on protein function. The variant was absent in 31400 control chromosomes. c.558C>A has been reported in the literature in two individuals affected with Cystic Fibrosis or Cystic Fibrosis related Bronchiectasis (Claustres_2017, Sickkids database). A third case carring the current variant at a heterozygous state was also mentioned, but not enough clinical info or second variant were provided (Claustres_2017). These data indicate that the variant may be associated with disease. At least one publication reports experimental evidence evaluating an impact on protein function. The most pronounced variant effect results in 14% of normal activity. The following publications have been ascertained in the context of this evaluation (PMID: 28603918, 38388235). ClinVar contains an entry for this variant (Variation ID: 3391202). Based on the evidence outlined above, the variant was classified as likely pathogenic.

Neuberg Centre For Genomic Medicine, NCGM
Classification: Uncertain significance for Cystic fibrosis. Last evaluated: 2023-07-22. Review status: criteria provided, single submitter. Criteria: ACMG Guidelines, 2015. Collection method: clinical testing. Allele origin: germline. Inheritance: Autosomal recessive inheritance. Affected: yes.
Comment: The observed missense c.558C>Ap.Asn186Lys variant in CFTR gene has not been reported previously as a pathogenic variant nor a benign variant, to our knowledge. The p.Asn186Lys variant is absent in gnomAD Exomes. This variant has not been submitted to the ClinVar database. Multiple lines of computational evidences Polyphen - Probably damaging, SIFT - Tolerated and MutationTaster - Disease causing predict conflicting evidence on protein structure and function for this variant. The reference amino acid change at this position on CFTR gene is predicted as conserved by GERP++ and PhyloP across 100 vertebrates. The amino acid Asn at position 186 is changed to a Lys changing protein sequence and it might alter its composition and physico-chemical properties. For these reasons, this variant has been classified as a Variant of Uncertain Significance VUS.

Literature cited by the submitters: PubMed 28603918 (cited by Women's Health and Genetics/Laboratory Corporation of America, LabCorp); PubMed 38388235 (cited by Women's Health and Genetics/Laboratory Corporation of America, LabCorp).